The following is an entry in ClinVar:

ClinVar aggregate classification (germline): Uncertain significance (1 of 4 stars; one submission).

Conditions:
Hypophosphatasia. Also called: Phosphoethanol-aminuria. Identifiers: Orphanet 436, MedGen C0020630, MeSH D007014, MONDO:0018570.

gnomAD v4.1: 1 of 1,613,270 alleles (0.000062%); no homozygotes.

Submission:

Genomenon, Inc
Classification: Uncertain significance for Hypophosphatasia. Last evaluated: 2025-08-29. Review status: criteria provided, single submitter. Criteria: Genomenon Sequence Variant Interpretation Standards. Collection method: curation. Allele origin: germline. Affected: yes.
Comment: ALPL p.His438Leu (c.1313A>T) is a missense variant that changes the amino acid at residue 438 from Histidine to Leucine. This variant has been observed in at least one proband affected with hypophosphatasia (PMID:23791648). It is absent or not present at a significant frequency in gnomAD. In conclusion, we classify ALPL p.His438Leu (c.1313A>T) as a variant of unknown significance.

Literature cited by the submitters: PubMed 23791648.

NM_000478.6(ALPL):c.1313A>T (p.His438Leu)

Gene: ALPL (alkaline phosphatase, biomineralization associated; plus strand). Cytogenetic location: 1p36.12.
Variant type: single nucleotide variant.
Coding change: c.1313A>T on transcript NM_000478.6 (MANE Select); coding-DNA position 1313, A replaced by T.
Protein change: p.His438Leu; replaces histidine 438 with leucine.
Molecular consequence: missense variant.
Genome position (GRCh38, 1-based): chr1:21,577,386, A>T. VCF-style: chr1-21577386-A-T. GRCh37 (hg19) VCF-style: chr1-21903879-A-T.
Other names: c.1148A>T, p.His383Leu (NM_001127501.4); c.1082A>T, p.His361Leu (NM_001177520.3); c.1313A>T, p.His438Leu (NM_001369803.2, NM_001369804.2, NM_001369805.2); short protein forms H361L, H383L, H438L.
Identifiers: ClinVar variation 4086892 (VCV004086892.1).